The following is an entry in ClinVar:

ClinVar aggregate classification (germline): Uncertain significance (1 of 4 stars; one submission).

Conditions:
Bardet-Biedl syndrome 6 (BBS6). Identifiers: Orphanet 110, MedGen C1858054, MONDO:0011523, OMIM 605231.

Submission:

3billion
Classification: Uncertain significance for Bardet-Biedl syndrome 6. Last evaluated: 2023-08-17. Review status: criteria provided, single submitter. Criteria: ACMG Guidelines, 2015. Collection method: clinical testing. Allele origin: germline. Affected: yes.
Comment: The variant is not observed in the gnomAD v2.1.1 dataset. Predicted Consequence/Location: Protein truncation variants are a common disease-causing mechanism. In silico tool predictions suggest damaging effect of the variant on gene or gene product [REVEL: 0.80 (>=0.6, sensitivity 0.68 and specificity 0.92); 3Cnet: 0.30 (>=0.6, sensitivity 0.72 and precision 0.9)]. Therefore, this variant is classified as VUS according to the recommendation of ACMG/AMP guideline.

NM_170784.3(MKKS):c.1246C>G (p.His416Asp)

Gene: MKKS (MKKS centrosomal shuttling protein; minus strand). Cytogenetic location: 20p12.2.
Variant type: single nucleotide variant.
Coding change: c.1246C>G on transcript NM_170784.3 (MANE Select); coding-DNA position 1246, C replaced by G.
Protein change: p.His416Asp; replaces histidine 416 with aspartic acid.
Molecular consequence: missense variant. On other transcripts: non-coding transcript variant (1).
Genome position (GRCh38, 1-based): chr20:10,407,642, G>C on the plus strand (C>G on the coding strand, the complement: MKKS is on the minus strand). VCF-style: chr20-10407642-G-C. GRCh37 (hg19) VCF-style: chr20-10388290-G-C.
Other names: c.1246C>G, p.His416Asp (NM_018848.3); short protein forms H416D.
Identifiers: ClinVar variation 3776152 (VCV003776152.1).